The following is an entry in ClinVar:

ClinVar aggregate classification (germline): Uncertain significance (1 of 4 stars; one submission).

Submission:

GeneDx
Classification: Uncertain significance. Last evaluated: 2023-10-22. Review status: criteria provided, single submitter. Criteria: GeneDx Variant Classification Process June 2021. Collection method: clinical testing. Allele origin: germline. Affected: yes.
Comment: Not observed at significant frequency in large population cohorts (gnomAD); In silico analysis supports that this missense variant has a deleterious effect on protein structure/function; Has not been previously published as pathogenic or benign to our knowledge

NM_014008.5(CCDC22):c.1220T>C (p.Val407Ala)

Gene: CCDC22 (coiled-coil domain containing 22; plus strand). Cytogenetic location: Xp11.23.
Variant type: single nucleotide variant.
Coding change: c.1220T>C on transcript NM_014008.5 (MANE Select); coding-DNA position 1220, T replaced by C.
Protein change: p.Val407Ala; replaces valine 407 with alanine.
Molecular consequence: missense variant.
Genome position (GRCh38, 1-based): chrX:49,248,414, T>C. VCF-style: chrX-49248414-T-C. GRCh37 (hg19) VCF-style: chrX-49104875-T-C.
Other names: short protein forms V407A.
Identifiers: ClinVar variation 3363394 (VCV003363394.1).